The following is an entry in ClinVar:

ClinVar aggregate classification (germline): Uncertain significance (1 of 4 stars; one submission).

Allele frequency attached by ClinVar (database versions not stated): gnomAD 0.00001.
gnomAD v4.1: 4 of 1,613,730 alleles (0.00025%); highest among the groups gnomAD compares: African/African-American, 0.0053%; no homozygotes.

Submission:

Labcorp Genetics (formerly Invitae), Labcorp
Classification: Uncertain significance. Last evaluated: 2022-07-05. Review status: criteria provided, single submitter. Criteria: Invitae Variant Classification Sherloc (09022015). Collection method: clinical testing. Allele origin: germline.
Comment: This sequence change replaces valine, which is neutral and non-polar, with phenylalanine, which is neutral and non-polar, at codon 89 of the TYRP1 protein (p.Val89Phe). This variant is not present in population databases (gnomAD no frequency). This variant has not been reported in the literature in individuals affected with TYRP1-related conditions. ClinVar contains an entry for this variant (Variation ID: 1369663). Algorithms developed to predict the effect of missense changes on protein structure and function (SIFT, PolyPhen-2, Align-GVGD) all suggest that this variant is likely to be tolerated. In summary, the available evidence is currently insufficient to determine the role of this variant in disease. Therefore, it has been classified as a Variant of Uncertain Significance.

NM_000550.3(TYRP1):c.265G>T (p.Val89Phe)

Gene: TYRP1 (tyrosinase related protein 1; plus strand). Cytogenetic location: 9p23.
Variant type: single nucleotide variant.
Coding change: c.265G>T on transcript NM_000550.3 (MANE Select); coding-DNA position 265, G replaced by T.
Protein change: p.Val89Phe; replaces valine 89 with phenylalanine.
Molecular consequence: missense variant.
Genome position (GRCh38, 1-based): chr9:12,694,261, G>T. VCF-style: chr9-12694261-G-T. GRCh37 (hg19) VCF-style: chr9-12694261-G-T.
Other names: short protein forms V89F.
Identifiers: ClinVar variation 1369663 (VCV001369663.8), dbSNP rs1483728996, ClinGen allele CA372936695.
Genomic context (GRCh38, chr9:12,694,261, plus strand): 5'-ACTGCAGACTCCCGGCCCCACAGCCCTCAGTATCCCCATGATGGCAGAGATGATCGGGAG[G>T]TCTGGCCCTTGCGCTTCTTCAATAGGACATGTCACTGCAACGGCAATTTCTCAGGACACA-3'
Protein context (NP_000541.1, residues 79-99): YPHDGRDDRE[Val89Phe]WPLRFFNRTC